The following is an entry in ClinVar:

ClinVar aggregate classification (germline): Uncertain significance. Review status: criteria provided, multiple submitters, no conflicts (2 of 4 stars). 2 submissions from 2 submitters: Uncertain significance (2). Last evaluated 2021-09-17.

Conditions:
Acquired hemoglobin H disease (ATMDS). Also called: Alpha-thalassemia myelodysplasia syndrome, somatic; Alpha-thalassemia myelodysplasia syndrome; Alpha-thalassemia-myelodysplastic syndrome. Identifiers: Orphanet 231401, MedGen C0585216, MONDO:0010328, OMIM 300448.
Alpha thalassemia-X-linked intellectual disability syndrome (ATRX). Also called: ALPHA-THALASSEMIA/MENTAL RETARDATION SYNDROME, X-LINKED; ATR, NONDELETION TYPE; ATR-X syndrome; Alpha thalassemia mental retardation syndrome, nondeletion type, X-linked; XLMR hypotonic face syndrome; X-linked alpha-thalassemia-mental retardation syndrome. Identifiers: Orphanet 847, MedGen C1845055, MONDO:0010519, OMIM 301040.

Allele frequency attached by ClinVar (database versions not stated): gnomAD exomes below 0.00001.
gnomAD v4.1: 1 of 1,199,657 alleles (0.000083%); highest among the groups gnomAD compares: Non-Finnish European, 0.00011%; no homozygotes.

Submissions (2):

Labcorp Genetics (formerly Invitae), Labcorp
Classification: Uncertain significance for Alpha thalassemia-X-linked intellectual disability syndrome. Last evaluated: 2021-09-17. Review status: criteria provided, single submitter. Criteria: Invitae Variant Classification Sherloc (09022015). Collection method: clinical testing. Allele origin: germline.
Comment: This sequence change replaces arginine with histidine at codon 160 of the ATRX protein (p.Arg160His). The arginine residue is highly conserved and there is a small physicochemical difference between arginine and histidine. This variant is not present in population databases (ExAC no frequency). This variant has not been reported in the literature in individuals with ATRX-related conditions. Algorithms developed to predict the effect of missense changes on protein structure and function are either unavailable or do not agree on the potential impact of this missense change (SIFT: "Deleterious"; PolyPhen-2: "Probably Damaging"; Align-GVGD: "Class C0"). In summary, the available evidence is currently insufficient to determine the role of this variant in disease. Therefore, it has been classified as a Variant of Uncertain Significance.

Baylor Genetics
Classification: Uncertain significance for Acquired hemoglobin H disease. Last evaluated: 2020-05-26. Review status: criteria provided, single submitter. Criteria: ACMG Guidelines, 2015. Collection method: clinical testing. Allele origin: unknown. Affected: yes.
Comment: This variant was determined to be of uncertain significance according to ACMG Guidelines, 2015 [PMID:25741868].

NM_000489.6(ATRX):c.479G>A (p.Arg160His)

Gene: ATRX (ATRX chromatin remodeler; minus strand). Cytogenetic location: Xq21.1.
Variant type: single nucleotide variant.
Coding change: c.479G>A on transcript NM_000489.6 (MANE Select); coding-DNA position 479, G replaced by A.
Protein change: p.Arg160His; replaces arginine 160 with histidine.
Molecular consequence: missense variant. On other transcripts: intron variant (1).
Genome position (GRCh38, 1-based): chrX:77,693,829, C>T on the plus strand (G>A on the coding strand, the complement: ATRX is on the minus strand). VCF-style: chrX-77693829-C-T. GRCh37 (hg19) VCF-style: chrX-76949318-C-T.
Other names: c.370+2748G>A (NM_138270.5); short protein forms R160H.
Identifiers: ClinVar variation 1028790 (VCV001028790.6), dbSNP rs2072039122, ClinGen allele CA413722848.